The following is an entry in ClinVar:

NM_000203.5(IDUA):c.64C>T (p.Pro22Ser)

Genes: SLC26A1 (solute carrier family 26 member 1; minus strand), IDUA (alpha-L-iduronidase; plus strand). Cytogenetic location: 4p16.3.
Variant type: single nucleotide variant.
Coding change: c.64C>T on transcript NM_000203.5 (MANE Select); coding-DNA position 64, C replaced by T.
Protein change: p.Pro22Ser; replaces proline 22 with serine.
Molecular consequence: missense variant. On other transcripts: non-coding transcript variant (1), intron variant (1).
Genome position (GRCh38, 1-based): chr4:987,148, C>T. VCF-style: chr4-987148-C-T. GRCh37 (hg19) VCF-style: chr4-980936-C-T.
Other names: NM_000203.5(IDUA):c.64C>T; p.Pro22Ser; c.576+3980G>A (NM_134425.4); short protein forms P22S.
Identifiers: ClinVar variation 553029 (VCV000553029.4), dbSNP rs1001972534, ClinGen allele CA355945380.
Genomic context (GRCh38, chr4:987,148, plus strand): 5'-CGTCCCCTGCGCCCCCGCGCCGCGCTGCTGGCGCTCCTGGCCTCGCTCCTGGCCGCGCCC[C>T]CGGTGGCCCCGGCCGAGGCCCCGCACCTGGTGCATGTGGACGCGGCCCGCGCGCTGTGGC-3'
Protein context (NP_000194.2, residues 12-32): ALLASLLAAP[Pro22Ser]VAPAEAPHLV

ClinVar aggregate classification (germline): Uncertain significance. Review status: reviewed by expert panel (3 of 4 stars). 2 submissions from 2 submitters: Uncertain significance (1). 1 of the submissions does not count toward it. Last evaluated 2026-01-05.

Conditions:
Mucopolysaccharidosis type 1. Also called: IDUA deficiency; MPS I; Mucopolysaccharidosis Type I. Identifiers: Orphanet 579, MedGen C0023786, MONDO:0001586.
Hurler syndrome. Also called: Gargoylism, Hurler Syndrome; MUCOPOLYSACCHARIDOSIS TYPE IH; Severe MPS I (Hurler Syndrome). Identifiers: Orphanet 93473, MedGen C0086795, MONDO:0011758, OMIM 607014.

gnomAD v4.1: 1 of 1,415,768 alleles (0.000071%); highest among the groups gnomAD compares: Non-Finnish European, 0.000092%; no homozygotes.

Submissions (2):

ClinGen Lysosomal Storage Disorder Variant Curation Expert Panel
Classification: Uncertain significance for Mucopolysaccharidosis type 1. Last evaluated: 2026-01-05. Review status: reviewed by expert panel. Criteria: ClinGen LSD ACMG Specifications IDUA V1.2.0. Collection method: curation. Allele origin: germline. Inheritance: Autosomal recessive inheritance.
Comment: The NM_000203.5:c.64C>T variant in IDUA is a missense variant predicted to cause substitution of proline by serine at amino acid 22 (p.Pro22Ser). At least one patient with this variant found to be compound heterozygous in documented IDUA deficiency within the affected range in leukocytes [α-Iduronidase enzyme activity 0.01 nmol/21 h*punch] and clinical features specific to MPS I including coarse facial features, hepatosplenomegaly, corneal clouding, gibbus, developmental delay, short stature, frequent respiratory illness and/or umbilical hernia (PP4). The highest population minor allele frequency in gnomAD v4.0. is 9.167e-7 (1/1090820 alleles) in the European (non-Finnish) population, which is lower than the ClinGen Lysosomal Diseases VCEP’s threshold for PM2_Supporting (<0.00025), meeting this criterion (PM2_Supporting). The computational predictor REVEL gives a score of 0.692 which is in the range 0.644-0.773, evidence that correlates with impact to IDUA function at the supporting level (PP3; PMID: 36413997). There is a ClinVar entry for this variant (Variation ID: 553029). In summary, this variant meets the criteria to be classified as variant of uncertain significance for MPS I based on the IDUA-specific ACMG/AMP criteria applied, as specified by the ClinGen Lysosomal Diseases Variant Curation Expert Panel (Specifications Version 1.2.0): PP4, PP3, PM2_Supporting (Classification approved by the ClinGen Lysosomal Diseases Variant Curation Expert Panel on January 5, 2026)

Counsyl
Classification: Uncertain significance for Hurler syndrome. Last evaluated: 2017-07-25. Review status: no assertion criteria provided. Collection method: clinical testing. Allele origin: unknown. Not counted in ClinVar's aggregate classification.

Literature cited by the submitters: PubMed 24798265 (cited by Counsyl).